The following is an entry in ClinVar:

NM_017612.5(ZCCHC8):c.212A>G (p.Lys71Arg)

Gene: ZCCHC8 (zinc finger CCHC-type containing 8; minus strand). Cytogenetic location: 12q24.31.
Variant type: single nucleotide variant.
Coding change: c.212A>G on transcript NM_017612.5 (MANE Select); coding-DNA position 212, A replaced by G.
Protein change: p.Lys71Arg; replaces lysine 71 with arginine.
Molecular consequence: missense variant. On other transcripts: 5 prime UTR variant (2), intron variant (1).
Genome position (GRCh38, 1-based): chr12:122,498,857, T>C on the plus strand (A>G on the coding strand, the complement: ZCCHC8 is on the minus strand). VCF-style: chr12-122498857-T-C. GRCh37 (hg19) VCF-style: chr12-122983404-T-C.
Other names: c.212A>G, p.Lys71Arg (NM_001350935.2); c.-333A>G (NM_001350937.2); c.-227A>G (NM_001350938.2); c.-56+1116A>G (NM_001350936.2); short protein forms K71R.
Identifiers: ClinVar variation 1480906 (VCV001480906.6), dbSNP rs2137377322, ClinGen allele CA482210372.

ClinVar aggregate classification (germline): Uncertain significance (1 of 4 stars; one submission).

Allele frequency attached by ClinVar (database versions not stated): gnomAD exomes below 0.00001.
gnomAD v4.1: 2 of 1,613,490 alleles (0.00012%); highest among the groups gnomAD compares: Non-Finnish European, 0.00017%; no homozygotes.

Submission:

Labcorp Genetics (formerly Invitae), Labcorp
Classification: Uncertain significance. Last evaluated: 2024-10-07. Review status: criteria provided, single submitter. Criteria: Invitae Variant Classification Sherloc (09022015). Collection method: clinical testing. Allele origin: germline.
Comment: This sequence change replaces lysine, which is basic and polar, with arginine, which is basic and polar, at codon 71 of the ZCCHC8 protein (p.Lys71Arg). This variant is not present in population databases (gnomAD no frequency). This variant has not been reported in the literature in individuals affected with ZCCHC8-related conditions. ClinVar contains an entry for this variant (Variation ID: 1480906). Invitae Evidence Modeling of protein sequence and biophysical properties (such as structural, functional, and spatial information, amino acid conservation, physicochemical variation, residue mobility, and thermodynamic stability) indicates that this missense variant is not expected to disrupt ZCCHC8 protein function with a negative predictive value of 80%. In summary, the available evidence is currently insufficient to determine the role of this variant in disease. Therefore, it has been classified as a Variant of Uncertain Significance.